The following is an entry in ClinVar:

ClinVar aggregate classification (germline): Uncertain significance. Review status: criteria provided, multiple submitters, no conflicts (2 of 4 stars). 4 submissions from 4 submitters: Uncertain significance (4). Last evaluated 2025-10-15.

Conditions:
Dyskeratosis congenita. Identifiers: Orphanet 1775, MedGen C0265965, MONDO:0015780.
Inborn genetic diseases. Identifiers: MedGen C0950123, MeSH D030342.
Cerebroretinal microangiopathy with calcifications and cysts 1 (CRMCC1). Identifiers: Orphanet 313838, MedGen C4552029, MONDO:0024564, OMIM 612199.

Allele frequency attached by ClinVar (database versions not stated): gnomAD 0.00001; gnomAD exomes 0.00001; TOPMed 0.00002.
gnomAD v4.1: 15 of 1,612,646 alleles (0.00093%); highest among the groups gnomAD compares: Admixed American, 0.0017%; no homozygotes.

Submissions (4):

Labcorp Genetics (formerly Invitae), Labcorp
Classification: Uncertain significance for Dyskeratosis congenita. Last evaluated: 2025-10-15. Review status: criteria provided, single submitter. Criteria: Invitae Variant Classification Sherloc (09022015). Collection method: clinical testing. Allele origin: germline.
Comment: This sequence change replaces glutamic acid, which is acidic and polar, with glutamine, which is neutral and polar, at codon 777 of the CTC1 protein (p.Glu777Gln). This variant is present in population databases (rs753665719, gnomAD 0.01%). This variant has not been reported in the literature in individuals affected with CTC1-related conditions. ClinVar contains an entry for this variant (Variation ID: 864713). Invitae Evidence Modeling of protein sequence and biophysical properties (such as structural, functional, and spatial information, amino acid conservation, physicochemical variation, residue mobility, and thermodynamic stability) indicates that this missense variant is not expected to disrupt CTC1 protein function with a negative predictive value of 80%. In summary, the available evidence is currently insufficient to determine the role of this variant in disease. Therefore, it has been classified as a Variant of Uncertain Significance.

Fulgent Genetics
Classification: Uncertain significance for Cerebroretinal microangiopathy with calcifications and cysts 1. Last evaluated: 2024-03-17. Review status: criteria provided, single submitter. Criteria: ACMG Guidelines, 2015. Collection method: clinical testing. Allele origin: germline.

Ambry Genetics
Classification: Uncertain significance for Inborn genetic diseases. Last evaluated: 2022-06-29. Review status: criteria provided, single submitter. Criteria: Ambry Variant Classification Scheme 2023. Collection method: clinical testing. Allele origin: germline.

Genetic Services Laboratory, University of Chicago
Classification: Uncertain significance. Last evaluated: 2021-10-11. Review status: criteria provided, single submitter. Criteria: ACMG Guidelines, 2015. Collection method: clinical testing. Allele origin: germline. Affected: no.

NM_025099.6(CTC1):c.2329G>C (p.Glu777Gln)

Gene: CTC1 (CST telomere replication complex component 1; minus strand). Cytogenetic location: 17p13.1.
Variant type: single nucleotide variant.
Coding change: c.2329G>C on transcript NM_025099.6 (MANE Select); coding-DNA position 2329, G replaced by C.
Protein change: p.Glu777Gln; replaces glutamic acid 777 with glutamine.
Molecular consequence: missense variant. On other transcripts: non-coding transcript variant (1).
Genome position (GRCh38, 1-based): chr17:8,231,959, C>G on the plus strand (G>C on the coding strand, the complement: CTC1 is on the minus strand). VCF-style: chr17-8231959-C-G. GRCh37 (hg19) VCF-style: chr17-8135277-C-G.
Other names: short protein forms E777Q.
Identifiers: ClinVar variation 864713 (VCV000864713.12), dbSNP rs753665719, ClinGen allele CA287533660.